The following is an entry in ClinVar:

NM_020937.4(FANCM):c.1823T>C (p.Ile608Thr)

Gene: FANCM (FA complementation group M; plus strand). Cytogenetic location: 14q21.2.
Variant type: single nucleotide variant.
Coding change: c.1823T>C on transcript NM_020937.4 (MANE Select); coding-DNA position 1823, T replaced by C.
Protein change: p.Ile608Thr; replaces isoleucine 608 with threonine.
Molecular consequence: missense variant.
Genome position (GRCh38, 1-based): chr14:45,166,984, T>C. VCF-style: chr14-45166984-T-C. GRCh37 (hg19) VCF-style: chr14-45636187-T-C.
Other names: c.1745T>C, p.Ile582Thr (NM_001308133.2); c.1823T>C, p.Ile608Thr (NM_001308134.2); short protein forms I582T, I608T.
Identifiers: ClinVar variation 3848641 (VCV003848641.1).
Genomic context (GRCh38, chr14:45,166,984, plus strand): 5'-CTGACATTTTCTATTTGTTTTTACAGATTTATAATCAGAGTCAGTCCAACAAAAGAAGTA[T>C]ATATAAAGCTATTTCAAGTAACAGGCAGGTCCTTCATTTTTACCAAAGAAGTCCACGAAT-3'
Protein context (NP_065988.1, residues 598-618): YNQSQSNKRS[Ile608Thr]YKAISSNRQV

ClinVar aggregate classification (germline): Uncertain significance (1 of 4 stars; one submission).

Conditions:
Inborn genetic diseases. Identifiers: MedGen C0950123, MeSH D030342.

gnomAD v4.1: 2 of 1,597,266 alleles (0.00013%); highest among the groups gnomAD compares: Admixed American, 0.0017%; no homozygotes.

Submission:

Ambry Genetics
Classification: Uncertain significance for Inborn genetic diseases. Last evaluated: 2025-01-18. Review status: criteria provided, single submitter. Criteria: Ambry Variant Classification Scheme 2023. Collection method: clinical testing. Allele origin: germline.
Comment: The p.I608T variant (also known as c.1823T>C), located in coding exon 11 of the FANCM gene, results from a T to C substitution at nucleotide position 1823. The isoleucine at codon 608 is replaced by threonine, an amino acid with similar properties. This amino acid position is conserved. In addition, the in silico prediction for this alteration is inconclusive. Based on the available evidence, the clinical significance of this variant remains unclear.